The following is an entry in ClinVar:

NM_000135.4(FANCA):c.3570G>T (p.Gln1190His)

Gene: FANCA (FA complementation group A; minus strand). Cytogenetic location: 16q24.3.
Variant type: single nucleotide variant.
Coding change: c.3570G>T on transcript NM_000135.4 (MANE Select); coding-DNA position 3570, G replaced by T.
Protein change: p.Gln1190His; replaces glutamine 1190 with histidine.
Molecular consequence: missense variant.
Genome position (GRCh38, 1-based): chr16:89,745,015, C>A on the plus strand (G>T on the coding strand, the complement: FANCA is on the minus strand). VCF-style: chr16-89745015-C-A. GRCh37 (hg19) VCF-style: chr16-89811423-C-A.
Other names: c.3570G>T, p.Gln1190His (NM_001286167.3); short protein forms Q1190H.
Identifiers: ClinVar variation 5003772 (VCV005003772.1).

ClinVar aggregate classification (germline): Uncertain significance (1 of 4 stars; one submission).

Conditions:
Fanconi anemia complementation group A (FANCA). Also called: Fanconi anemia, group A; FANCA-Related Fanconi Anemia. Identifiers: Orphanet 84, MedGen C3469521, MONDO:0009215, OMIM 227650.

Submission:

Myriad Genetics, Inc.
Classification: Uncertain significance for Fanconi anemia complementation group A. Last evaluated: 2025-12-05. Review status: criteria provided, single submitter. Criteria: Myriad Autosomal Dominant, Autosomal Recessive and X-Linked Classification Criteria (2023). Collection method: clinical testing. Allele origin: unknown.
Comment: NM_000135.2(FANCA):c.3570G>T(Q1190H) is a missense variant classified as a variant of uncertain significance in the context of Fanconi anemia complementation group A. Q1190H has not been observed in cases with relevant disease. Relevant functional assessments of this variant are not available in the literature. Q1190H has been observed in referenced population frequency databases. In summary, there is insufficient evidence to classify NM_000135.2(FANCA):c.3570G>T(Q1190H) as pathogenic or benign. Please note: this variant was assessed in the context of healthy population screening.